The following is an entry in ClinVar:

ClinVar aggregate classification (germline): Uncertain significance. Review status: criteria provided, multiple submitters, no conflicts (2 of 4 stars). 2 submissions from 2 submitters: Uncertain significance (2). Last evaluated 2024-05-09.

Conditions:
Orofaciodigital syndrome type 6 (OFD6). Also called: OROFACIODIGITAL SYNDROME VI; OFDS VI; POLYDACTYLY, CLEFT LIP/PALATE OR LINGUAL LUMP, AND PSYCHOMOTOR RETARDATION; VARADI SYNDROME; VARADI-PAPP SYNDROME; Oral-facial-digital syndrome type 6. Identifiers: Orphanet 2754, MedGen C2745997, MONDO:0010176, OMIM 277170.
Joubert syndrome 17 (JBTS17). Identifiers: Orphanet 475, MedGen C3553264, MONDO:0013824, OMIM 614615.

Allele frequency attached by ClinVar (database versions not stated): gnomAD 0.00002; ESP Exome Variant Server 0.00015.
gnomAD v4.1: 28 of 1,612,440 alleles (0.0017%); highest among the groups gnomAD compares: African/African-American, 0.012%; no homozygotes.

Submissions (2):

Fulgent Genetics
Classification: Uncertain significance for Orofaciodigital syndrome type 6; Joubert syndrome 17. Last evaluated: 2024-05-09. Review status: criteria provided, single submitter. Criteria: ACMG Guidelines, 2015. Collection method: clinical testing. Allele origin: germline.

Labcorp Genetics (formerly Invitae), Labcorp
Classification: Uncertain significance. Last evaluated: 2022-08-23. Review status: criteria provided, single submitter. Criteria: Invitae Variant Classification Sherloc (09022015). Collection method: clinical testing. Allele origin: germline.
Comment: This sequence change replaces threonine, which is neutral and polar, with methionine, which is neutral and non-polar, at codon 1987 of the CPLANE1 protein (p.Thr1987Met). This variant is present in population databases (rs141126113, gnomAD 0.006%). This variant has not been reported in the literature in individuals affected with CPLANE1-related conditions. ClinVar contains an entry for this variant (Variation ID: 1052365). Advanced modeling of protein sequence and biophysical properties (such as structural, functional, and spatial information, amino acid conservation, physicochemical variation, residue mobility, and thermodynamic stability) performed at Invitae indicates that this missense variant is not expected to disrupt CPLANE1 protein function. In summary, the available evidence is currently insufficient to determine the role of this variant in disease. Therefore, it has been classified as a Variant of Uncertain Significance.

NM_001384732.1(CPLANE1):c.5960C>T (p.Thr1987Met)

Gene: CPLANE1 (ciliogenesis and planar polarity effector complex subunit 1; minus strand). Cytogenetic location: 5p13.2.
Variant type: single nucleotide variant.
Coding change: c.5960C>T on transcript NM_001384732.1 (MANE Select); coding-DNA position 5960, C replaced by T.
Protein change: p.Thr1987Met; replaces threonine 1987 with methionine.
Molecular consequence: missense variant.
Genome position (GRCh38, 1-based): chr5:37,175,927, G>A on the plus strand (C>T on the coding strand, the complement: CPLANE1 is on the minus strand). VCF-style: chr5-37175927-G-A. GRCh37 (hg19) VCF-style: chr5-37176029-G-A.
Other names: c.5960C>T, p.Thr1987Met (NM_023073.4); short protein forms T1987M.
Identifiers: ClinVar variation 1052365 (VCV001052365.6), dbSNP rs141126113, ClinGen allele CA3238380.